The following is an entry in ClinVar:

NM_000046.5(ARSB):c.385del (p.Leu129fs)

Gene: ARSB (arylsulfatase B; minus strand). Cytogenetic location: 5q14.1.
Variant type: Deletion.
Coding change: c.385del on transcript NM_000046.5 (MANE Select); coding-DNA position 385, one base deleted (C; older notation c.385delC).
Protein change: p.Leu129fs; shifts the reading frame from leucine 129.
Molecular consequence: frameshift variant.
Genome position (GRCh38, 1-based): chr5:78,969,120, G deleted on the plus strand (C on the coding strand, the reverse complement: ARSB is on the minus strand); the first of 2 consecutive G bases (chr5:78,969,120-78,969,121); deleting either gives the same sequence. VCF-style (leftmost placement, unchanged base first): chr5-78969119-AG-A. GRCh37 (hg19) VCF-style: chr5-78264942-AG-A.
Other names: c.385del, p.Leu129fs (NM_198709.3); short protein forms L129fs.
Identifiers: ClinVar variation 957464 (VCV000957464.8), dbSNP rs1752338387, ClinGen allele CA1139658905.

ClinVar aggregate classification (germline): Pathogenic (1 of 4 stars; one submission).

Conditions:
Mucopolysaccharidosis type 6 (MPS6). Also called: MPS VI; ARSB DEFICIENCY; ARYLSULFATASE B DEFICIENCY; N-ACETYLGALACTOSAMINE-4-SULFATASE DEFICIENCY; MPS 6; Maroteaux Lamy syndrome. Identifiers: Orphanet 583, MedGen C0026709, MONDO:0009661, OMIM 253200.

Submission:

Labcorp Genetics (formerly Invitae), Labcorp
Classification: Pathogenic for Mucopolysaccharidosis type 6. Last evaluated: 2019-09-24. Review status: criteria provided, single submitter. Criteria: Invitae Variant Classification Sherloc (09022015). Collection method: clinical testing. Allele origin: germline.
Comment: This sequence change creates a premature translational stop signal (p.Leu129Cysfs*5) in the ARSB gene. It is expected to result in an absent or disrupted protein product. This variant is not present in population databases (ExAC no frequency). This variant has not been reported in the literature in individuals with ARSB-related conditions. Loss-of-function variants in ARSB are known to be pathogenic (PMID: 17458871, 22133300). For these reasons, this variant has been classified as Pathogenic.

Literature cited by the submitters: PubMed 17458871; PubMed 22133300.